The following is an entry in ClinVar:

ClinVar aggregate classification (germline): Pathogenic (1 of 4 stars; one submission).

Submission:

Labcorp Genetics (formerly Invitae), Labcorp
Classification: Pathogenic. Last evaluated: 2023-05-15. Review status: criteria provided, single submitter. Criteria: Invitae Variant Classification Sherloc (09022015). Collection method: clinical testing. Allele origin: germline.
Comment: For these reasons, this variant has been classified as Pathogenic. This variant has not been reported in the literature in individuals affected with EPHB4-related conditions. This variant is not present in population databases (gnomAD no frequency). This sequence change creates a premature translational stop signal (p.Glu493*) in the EPHB4 gene. It is expected to result in an absent or disrupted protein product. Loss-of-function variants in EPHB4 are known to be pathogenic (PMID: 28687708).

Literature cited by the submitters: PubMed 28687708.

NM_004444.5(EPHB4):c.1477G>T (p.Glu493Ter)

Gene: EPHB4 (EPH receptor B4; minus strand). Cytogenetic location: 7q22.1.
Variant type: single nucleotide variant.
Coding change: c.1477G>T on transcript NM_004444.5 (MANE Select); coding-DNA position 1477, G replaced by T.
Protein change: p.Glu493Ter; replaces glutamic acid 493 with a stop codon.
Molecular consequence: nonsense.
Genome position (GRCh38, 1-based): chr7:100,817,303, C>A on the plus strand (G>T on the coding strand, the complement: EPHB4 is on the minus strand). VCF-style: chr7-100817303-C-A. GRCh37 (hg19) VCF-style: chr7-100414925-C-A.
Other names: short protein forms E493*.
Identifiers: ClinVar variation 2864319 (VCV002864319.3), dbSNP rs1813100007, ClinGen allele CA368572962.
Genomic context (GRCh38, chr7:100,817,303, plus strand): 5'-CCTCAGAGCGCGCCCGTACCTGCACCAGGTAGCTGGCTCCCCGCTTCAGCCCCCGCAGCT[C>A]TGCCCGGTTTTCTGACGTCTTCAGGAACCGCACGCTGCTGGGACCCTCGGCGCCCTGTCC-3'